The following is an entry in ClinVar:

NM_152703.5(SAMD9L):c.1151A>G (p.Tyr384Cys)

Gene: SAMD9L (sterile alpha motif domain containing 9 like; minus strand). Cytogenetic location: 7q21.2.
Variant type: single nucleotide variant.
Coding change: c.1151A>G on transcript NM_152703.5 (MANE Select); coding-DNA position 1151, A replaced by G.
Protein change: p.Tyr384Cys; replaces tyrosine 384 with cysteine.
Molecular consequence: missense variant.
Genome position (GRCh38, 1-based): chr7:93,134,821, T>C on the plus strand (A>G on the coding strand, the complement: SAMD9L is on the minus strand). VCF-style: chr7-93134821-T-C. GRCh37 (hg19) VCF-style: chr7-92764134-T-C.
Other names: c.1151A>G, p.Tyr384Cys (NM_001303496.3, NM_001303497.3, NM_001303498.3 and 5 more transcripts); short protein forms Y384C.
Identifiers: ClinVar variation 4841989 (VCV004841989.1).

ClinVar aggregate classification (germline): Uncertain significance (1 of 4 stars; one submission).

Conditions:
Inborn genetic diseases. Identifiers: MedGen C0950123, MeSH D030342.

Submission:

Ambry Genetics
Classification: Uncertain significance for Inborn genetic diseases. Last evaluated: 2025-12-15. Review status: criteria provided, single submitter. Criteria: Ambry Variant Classification Scheme 2023. Collection method: clinical testing. Allele origin: germline.
Comment: The p.Y384C variant (also known as c.1151A>G), located in coding exon 1 of the SAMD9L gene, results from an A to G substitution at nucleotide position 1151. The tyrosine at codon 384 is replaced by cysteine, an amino acid with highly dissimilar properties. This amino acid position is conserved. In addition, this alteration is predicted to be tolerated by in silico analysis. Based on the available evidence, the clinical significance of this variant remains unclear.